The following is an entry in ClinVar:

ClinVar aggregate classification (germline): Uncertain significance (1 of 4 stars; one submission).

gnomAD v4.1: 9 of 1,613,082 alleles (0.00056%); highest among the groups gnomAD compares: East Asian, 0.0045%; no homozygotes.

Submission:

Dasa
Classification: Uncertain significance. Last evaluated: 2026-07-06. Review status: criteria provided, single submitter. Criteria: DASA Assertion Criteria. Collection method: clinical testing. Allele origin: germline.
Comment: NM_000545.8(HNF1A):c.832C>T (p.Arg278Trp) is a missense variant that results in the substitution of arginine with tryptophan. The affected residue or protein region has prior evidence supporting clinical relevance. This variant is rare in population databases. Computational prediction algorithms are consistent with a deleterious effect. The currently available literature and clinical evidence are not sufficient to establish a definitive association between this variant and the reported condition. Therefore, this variant is classified as a variant of uncertain significance.

NM_000545.8(HNF1A):c.832C>T (p.Arg278Trp)

Gene: HNF1A (HNF1 homeobox A; plus strand). Cytogenetic location: 12q24.31.
Variant type: single nucleotide variant.
Coding change: c.832C>T on transcript NM_000545.8 (MANE Select); coding-DNA position 832, C replaced by T.
Protein change: p.Arg278Trp; replaces arginine 278 with tryptophan.
Molecular consequence: missense variant.
Genome position (GRCh38, 1-based): chr12:120,994,282, C>T. VCF-style: chr12-120994282-C-T. GRCh37 (hg19) VCF-style: chr12-121432085-C-T.
Other names: c.832C>T, p.Arg278Trp (NM_001406915.1, NM_001306179.2); short protein forms R278W.
Identifiers: ClinVar variation 5020236 (VCV005020236.1).